The following is an entry in ClinVar:

NM_015176.4(FBXO28):c.709C>T (p.Pro237Ser)

Gene: FBXO28 (F-box protein 28; plus strand). Cytogenetic location: 1q42.11.
Variant type: single nucleotide variant.
Coding change: c.709C>T on transcript NM_015176.4 (MANE Select); coding-DNA position 709, C replaced by T.
Protein change: p.Pro237Ser; replaces proline 237 with serine.
Molecular consequence: missense variant. On other transcripts: non-coding transcript variant (1), intron variant (1).
Genome position (GRCh38, 1-based): chr1:224,153,334, C>T. VCF-style: chr1-224153334-C-T. GRCh37 (hg19) VCF-style: chr1-224341036-C-T.
Other names: c.517-4018C>T (NM_001136115.3); short protein forms P237S.
Identifiers: ClinVar variation 3048245 (VCV003048245.4), dbSNP rs149442137, ClinGen allele CA1413466.

ClinVar aggregate classification (germline): Likely benign. Review status: criteria provided, single submitter (1 of 4 stars). 2 submissions from 2 submitters: Likely benign (1). 1 of the submissions does not count toward it. Last evaluated 2026-09-01.

Conditions:
FBXO28-related disorder. Also called: FBXO28-related condition.

Allele frequency attached by ClinVar (database versions not stated): gnomAD exomes 0.00010; ExAC 0.00035; 1000 Genomes Project 0.00120; gnomAD 0.00143; TOPMed 0.00150; ESP Exome Variant Server 0.00154; 1000 Genomes Project 30x 0.00172.

Submissions (2):

CeGaT Center for Human Genetics Tuebingen
Classification: Likely benign. Last evaluated: 2026-09-01. Review status: criteria provided, single submitter. Criteria: CeGaT Center For Human Genetics Tuebingen Variant Classification Criteria Version 2. Collection method: clinical testing. Allele origin: germline. Affected: yes. Observed: 2 variant alleles.
Comment: FBXO28: BS2

PreventionGenetics, part of Exact Sciences
Classification: Likely benign for FBXO28-related condition. Last evaluated: 2022-02-15. Review status: no assertion criteria provided. Collection method: clinical testing. Allele origin: germline. Not counted in ClinVar's aggregate classification.
Comment: This variant is classified as likely benign based on ACMG/AMP sequence variant interpretation guidelines (Richards et al. 2015 PMID: 25741868, with internal and published modifications).